The following is an entry in ClinVar:

ClinVar aggregate classification (germline): Uncertain significance (1 of 4 stars; one submission).

Conditions:
MC4R-related disorder. Also called: MC4R-related condition.

Allele frequency attached by ClinVar (database versions not stated): gnomAD 0.00002; gnomAD exomes 0.00002; TOPMed 0.00003; ExAC 0.00006.

Submission:

PreventionGenetics, part of Exact Sciences
Classification: Uncertain significance for MC4R-related condition. Last evaluated: 2026-09-14. Review status: criteria provided, single submitter. Criteria: ACMG Guidelines, 2015. Collection method: clinical testing. Allele origin: germline.
Comment: The MC4R c.910C>T variant is predicted to result in the amino acid substitution p.Leu304Phe. This variant has been reported in the heterozygous state in individuals with obesity (van den Berg et al. 2011. PubMed ID: 20966905; Thearle et al. 2011. PubMed ID: 22106157). Functional studies analyzing NDP-MSH receptor binding in HEK cells showed that this variant decreased expression levels to ~40% of wild receptor expression and cell surface expression, and retainment in the ER was decreased as compared to wildtype (van den Berg et al. 2011. PubMed ID: 20966905); however another study showed p.Leu304Phe had no impact on MC4R function (Thearle et al. 2011. PubMed ID: 22106157). In addition, affinity for NDP-MSH and receptor activation was not significantly altered as compared to wildtype (van den Berg et al. 2011. PubMed ID: 20966905). Another study analyzing signaling preference for gain-of-function MC4R variants determined that the p.Leu304Phe variant had no evidence of biased signaling (Lotta et al. 2019. PubMed ID: 31002796). This variant is reported in 0.034% of alleles in individuals of Latino descent in gnomAD. At this time, the clinical significance of this variant is uncertain due to the absence of conclusive functional and genetic evidence.

NM_005912.3(MC4R):c.910C>T (p.Leu304Phe)

Gene: MC4R (melanocortin 4 receptor; minus strand). Cytogenetic location: 18q21.32.
Variant type: single nucleotide variant.
Coding change: c.910C>T on transcript NM_005912.3 (MANE Select); coding-DNA position 910, C replaced by T.
Protein change: p.Leu304Phe; replaces leucine 304 with phenylalanine.
Molecular consequence: missense variant.
Genome position (GRCh38, 1-based): chr18:60,371,440, G>A on the plus strand (C>T on the coding strand, the complement: MC4R is on the minus strand). VCF-style: chr18-60371440-G-A. GRCh37 (hg19) VCF-style: chr18-58038673-G-A.
Other names: short protein forms L304F.
Identifiers: ClinVar variation 3043441 (VCV003043441.3), dbSNP rs774918906, ClinGen allele CA8980812.
Genomic context (GRCh38, chr18:60,371,440, plus strand): 5'-CTCCCAGGGGATAGCAACAGATGATCTCTTTGAAGGTTTTCCTCAGTTCTTGACTCCGGA[G>A]TGCATAAATCAGAGGATCGATGATTGAATTACACATGATCAGTATGAGATACAAGTTAAA-3'
Protein context (NP_005903.2, residues 294-314): NSIIDPLIYA[Leu304Phe]RSQELRKTFK